The following is an entry in ClinVar:

NM_000548.5(TSC2):c.566G>C (p.Cys189Ser)

Gene: TSC2 (TSC complex subunit 2; plus strand). Cytogenetic location: 16p13.3.
Variant type: single nucleotide variant.
Coding change: c.566G>C on transcript NM_000548.5 (MANE Select); coding-DNA position 566, G replaced by C.
Protein change: p.Cys189Ser; replaces cysteine 189 with serine.
Molecular consequence: missense variant. On other transcripts: intron variant (1).
Genome position (GRCh38, 1-based): chr16:2,055,486, G>C. VCF-style: chr16-2055486-G-C. GRCh37 (hg19) VCF-style: chr16-2105487-G-C.
Other names: c.566G>C, p.Cys189Ser (NM_001077183.3, NM_001114382.3, NM_001363528.2 and 3 more transcripts); c.455G>C, p.Cys152Ser (NM_001318827.2); c.419G>C, p.Cys140Ser (NM_001318829.2); c.599G>C, p.Cys200Ser (NM_001318832.2); c.-1-710G>C (NM_001318831.2); short protein forms C140S, C152S, C200S, C189S.
Identifiers: ClinVar variation 825884 (VCV000825884.16), dbSNP rs764218079, ClinGen allele CA394309623.

ClinVar aggregate classification (germline): Uncertain significance. Review status: criteria provided, multiple submitters, no conflicts (2 of 4 stars). 4 submissions from 4 submitters: Uncertain significance (4). Last evaluated 2023-10-06.

Conditions:
Tuberous sclerosis 2 (TSC2). Identifiers: Orphanet 805, MedGen C1860707, MONDO:0013199, OMIM 613254.
Hereditary cancer-predisposing syndrome. Also called: Neoplastic Syndromes, Hereditary; Hereditary Cancer Syndrome; Hereditary neoplastic syndrome; Tumor predisposition. Identifiers: Orphanet 140162, MedGen C0027672, MeSH D009386, MONDO:0015356.
Tuberous sclerosis syndrome (TSC). Also called: Tuberous Sclerosis Complex; Tuberous sclerosis. Identifiers: Orphanet 805, MedGen C0041341, MONDO:0001734.

Submissions (4):

All of Us Research Program, National Institutes of Health
Classification: Uncertain significance for Tuberous sclerosis syndrome. Last evaluated: 2023-10-06. Review status: criteria provided, single submitter. Criteria: ACMG Guidelines, 2015. Collection method: clinical testing. Allele origin: germline. Inheritance: Autosomal dominant inheritance. Observed: 1 variant allele, 1 heterozygote.
Comment: This missense variant replaces cysteine with serine at codon 189 of the TSC2 protein. Computational prediction is inconclusive regarding the impact of this variant on protein structure and function (internally defined REVEL score threshold 0.5 < inconclusive < 0.7, PMID: 27666373). To our knowledge, functional studies have not been reported for this variant. This variant has not been reported in individuals affected with TSC2-related disorders in the literature. This variant has not been identified in the general population by the Genome Aggregation Database (gnomAD). The available evidence is insufficient to determine the role of this variant in disease conclusively. Therefore, this variant is classified as a Variant of Uncertain Significance.

This study involves interpretation of variants in research participants for the purpose of population health screening. Participant phenotype was not available at the time of variant classification. Additional details can be found in publication PMID: 35346344, PMCID: PMC8962531

Genome-Nilou Lab
Classification: Uncertain significance for Tuberous sclerosis 2. Last evaluated: 2021-11-07. Review status: criteria provided, single submitter. Criteria: ACMG Guidelines, 2015. Collection method: clinical testing. Allele origin: germline. Affected: no.

Labcorp Genetics (formerly Invitae), Labcorp
Classification: Uncertain significance for Tuberous sclerosis 2. Last evaluated: 2020-02-04. Review status: criteria provided, single submitter. Criteria: Invitae Variant Classification Sherloc (09022015). Collection method: clinical testing. Allele origin: germline.
Comment: In summary, the available evidence is currently insufficient to determine the role of this variant in disease. Therefore, it has been classified as a Variant of Uncertain Significance. Algorithms developed to predict the effect of missense changes on protein structure and function are either unavailable or do not agree on the potential impact of this missense change (SIFT: "Deleterious"; PolyPhen-2: "Benign"; Align-GVGD: "Class C0"). This variant has not been reported in the literature in individuals with TSC2-related conditions. This variant is not present in population databases (ExAC no frequency). This sequence change replaces cysteine with serine at codon 189 of the TSC2 protein (p.Cys189Ser). The cysteine residue is highly conserved and there is a moderate physicochemical difference between cysteine and serine.

Ambry Genetics
Classification: Uncertain significance for Hereditary cancer-predisposing syndrome. Last evaluated: 2019-02-14. Review status: criteria provided, single submitter. Criteria: Ambry Variant Classification Scheme 2023. Collection method: clinical testing. Allele origin: germline.
Comment: The p.C189S variant (also known as c.566G>C), located in coding exon 5 of the TSC2 gene, results from a G to C substitution at nucleotide position 566. The cysteine at codon 189 is replaced by serine, an amino acid with dissimilar properties. This amino acid position is highly conserved in available vertebrate species. In addition, the in silico prediction for this alteration is inconclusive. Since supporting evidence is limited at this time, the clinical significance of this alteration remains unclear.